The following is an entry in ClinVar:

NM_002519.3(NPAT):c.683C>T (p.Thr228Ile)

Gene: NPAT (nuclear protein, coactivator of histone transcription; minus strand). Cytogenetic location: 11q22.3.
Variant type: single nucleotide variant.
Coding change: c.683C>T on transcript NM_002519.3 (MANE Select); coding-DNA position 683, C replaced by T.
Protein change: p.Thr228Ile; replaces threonine 228 with isoleucine.
Molecular consequence: missense variant.
Genome position (GRCh38, 1-based): chr11:108,186,525, G>A on the plus strand (C>T on the coding strand, the complement: NPAT is on the minus strand). VCF-style: chr11-108186525-G-A. GRCh37 (hg19) VCF-style: chr11-108057252-G-A.
Other names: c.683C>T, p.Thr228Ile (NM_001321307.1); short protein forms T228I.
Identifiers: ClinVar variation 3300722 (VCV003300722.1).

ClinVar aggregate classification (germline): Uncertain significance (1 of 4 stars; one submission).

Submission:

Ambry Genetics
Classification: Uncertain significance. Last evaluated: 2024-06-16. Review status: criteria provided, single submitter. Criteria: Ambry Variant Classification Scheme 2023. Collection method: clinical testing. Allele origin: germline.
Comment: The p.T228I variant (also known as c.683C>T), located in coding exon 8 of the NPAT gene, results from a C to T substitution at nucleotide position 683. The threonine at codon 228 is replaced by isoleucine, an amino acid with similar properties. This amino acid position is conserved. In addition, this alteration is predicted to be tolerated by in silico analysis. Based on the available evidence, the clinical significance of this variant remains unclear.